The following is an entry in ClinVar:

NM_022437.3(ABCG8):c.451G>A (p.Val151Met)

Gene: ABCG8 (ATP binding cassette subfamily G member 8; plus strand). Cytogenetic location: 2p21.
Variant type: single nucleotide variant.
Coding change: c.451G>A on transcript NM_022437.3 (MANE Select); coding-DNA position 451, G replaced by A.
Protein change: p.Val151Met; replaces valine 151 with methionine.
Molecular consequence: missense variant.
Genome position (GRCh38, 1-based): chr2:43,851,712, G>A. VCF-style: chr2-43851712-G-A. GRCh37 (hg19) VCF-style: chr2-44078851-G-A.
Other names: c.451G>A (NM_022437.2); c.451G>A, p.Val151Met (NM_001357321.2); short protein forms V151M.
Identifiers: ClinVar variation 2738008 (VCV002738008.4), dbSNP rs200631750, ClinGen allele CA1637022.

ClinVar aggregate classification (germline): Uncertain significance. Review status: criteria provided, multiple submitters, no conflicts (2 of 4 stars). 3 submissions from 3 submitters: Uncertain significance (3). Last evaluated 2025-09-17.

Conditions:
ABCG8-related disorder. Also called: ABCG8-related condition.
Cardiovascular phenotype. Identifiers: MedGen CN230736.

Allele frequency attached by ClinVar (database versions not stated): gnomAD 0.00004; TOPMed 0.00002; ExAC 0.00003.
gnomAD v4.1: 55 of 1,614,216 alleles (0.0034%); highest among the groups gnomAD compares: Admixed American, 0.012%; no homozygotes.

Submissions (3):

Ambry Genetics
Classification: Uncertain significance for Cardiovascular phenotype. Last evaluated: 2025-09-17. Review status: criteria provided, single submitter. Criteria: Ambry Variant Classification Scheme 2023. Collection method: clinical testing. Allele origin: germline.
Comment: The p.V151M variant (also known as c.451G>A), located in coding exon 4 of the ABCG8 gene, results from a G to A substitution at nucleotide position 451. The valine at codon 151 is replaced by methionine, an amino acid with highly similar properties. This amino acid position is highly conserved in available vertebrate species. In addition, this alteration is predicted to be deleterious by in silico analysis. Based on the available evidence, the clinical significance of this variant remains unclear.

PreventionGenetics, part of Exact Sciences
Classification: Uncertain significance for ABCG8-related condition. Last evaluated: 2025-03-10. Review status: criteria provided, single submitter. Criteria: ACMG Guidelines, 2015. Collection method: clinical testing. Allele origin: germline.
Comment: The ABCG8 c.451G>A variant is predicted to result in the amino acid substitution p.Val151Met. This variant was reported in an individual with dyslipidemia (Table S4, Dron et al. 2020. PubMed ID: 32041611) and in an individual with familial hypercholesterolemia (Table S4, Reeskamp et al. 2020. PubMed ID: 32088153). This variant is reported in 0.012% of alleles in individuals of Latino descent in gnomAD. At this time, the clinical significance of this variant is uncertain due to the absence of conclusive functional and genetic evidence.

Labcorp Genetics (formerly Invitae), Labcorp
Classification: Uncertain significance. Last evaluated: 2022-12-29. Review status: criteria provided, single submitter. Criteria: Invitae Variant Classification Sherloc (09022015). Collection method: clinical testing. Allele origin: germline.
Comment: In summary, the available evidence is currently insufficient to determine the role of this variant in disease. Therefore, it has been classified as a Variant of Uncertain Significance. Advanced modeling of protein sequence and biophysical properties (such as structural, functional, and spatial information, amino acid conservation, physicochemical variation, residue mobility, and thermodynamic stability) has been performed at Invitae for this missense variant, however the output from this modeling did not meet the statistical confidence thresholds required to predict the impact of this variant on ABCG8 protein function. This sequence change replaces valine, which is neutral and non-polar, with methionine, which is neutral and non-polar, at codon 151 of the ABCG8 protein (p.Val151Met). This variant is present in population databases (rs200631750, gnomAD 0.01%). This missense change has been observed in individual(s) with clinical features of ABCG8-related conditions (PMID: 32041611, 32088153).

Literature cited by the submitters: PubMed 32041611 (cited by Labcorp Genetics (formerly Invitae), Labcorp); PubMed 32088153 (cited by Labcorp Genetics (formerly Invitae), Labcorp).